The following is an entry in ClinVar:

ClinVar aggregate classification (germline): Pathogenic/Likely pathogenic. Review status: criteria provided, multiple submitters, no conflicts (2 of 4 stars). 3 submissions from 3 submitters: Pathogenic (2); Likely pathogenic (1). Last evaluated 2024-07-30.

Conditions:
Familial cancer of breast. Also called: Hereditary breast cancer; BREAST CANCER, FAMILIAL; hereditary breast carcinoma. Identifiers: Orphanet 227535, MedGen C0346153, MONDO:0016419, OMIM 114480. Disease mechanism: loss of function.

Submissions (3):

Labcorp Genetics (formerly Invitae), Labcorp
Classification: Pathogenic for Familial cancer of breast. Last evaluated: 2024-07-30. Review status: criteria provided, single submitter. Criteria: Invitae Variant Classification Sherloc (09022015). Collection method: clinical testing. Allele origin: germline.
Comment: This sequence change creates a premature translational stop signal (p.Ser537*) in the PALB2 gene. It is expected to result in an absent or disrupted protein product. Loss-of-function variants in PALB2 are known to be pathogenic (PMID: 17200668, 17200671, 17200672, 24136930, 25099575). This variant is not present in population databases (gnomAD no frequency). This variant has not been reported in the literature in individuals affected with PALB2-related conditions. For these reasons, this variant has been classified as Pathogenic.

Myriad Genetics, Inc.
Classification: Pathogenic for Familial cancer of breast. Last evaluated: 2023-09-11. Review status: criteria provided, single submitter. Criteria: Myriad Autosomal Dominant, Autosomal Recessive and X-Linked Classification Criteria (2023). Collection method: clinical testing. Allele origin: unknown.
Comment: This variant is considered pathogenic. This variant creates a termination codon and is predicted to result in premature protein truncation.

Baylor Genetics
Classification: Likely pathogenic for Familial cancer of breast. Last evaluated: 2021-06-24. Review status: criteria provided, single submitter. Criteria: ACMG Guidelines, 2015. Collection method: clinical testing. Allele origin: unknown.

Literature cited by the submitters: PubMed 17200668 (cited by Labcorp Genetics (formerly Invitae), Labcorp); PubMed 17200671 (cited by Labcorp Genetics (formerly Invitae), Labcorp); PubMed 17200672 (cited by Labcorp Genetics (formerly Invitae), Labcorp); PubMed 24136930 (cited by Labcorp Genetics (formerly Invitae), Labcorp); PubMed 25099575 (cited by Labcorp Genetics (formerly Invitae), Labcorp).

NM_024675.4(PALB2):c.1610C>A (p.Ser537Ter)

Gene: PALB2 (partner and localizer of BRCA2; minus strand). Cytogenetic location: 16p12.2.
Variant type: single nucleotide variant.
Coding change: c.1610C>A on transcript NM_024675.4 (MANE Select); coding-DNA position 1610, C replaced by A.
Protein change: p.Ser537Ter; replaces serine 537 with a stop codon.
Molecular consequence: nonsense. On other transcripts: intron variant (3).
Genome position (GRCh38, 1-based): chr16:23,634,936, G>T on the plus strand (C>A on the coding strand, the complement: PALB2 is on the minus strand). VCF-style: chr16-23634936-G-T. GRCh37 (hg19) VCF-style: chr16-23646257-G-T.
Other names: c.1550C>A, p.Ser517Ter (NM_001407296.1); c.1610C>A, p.Ser537Ter (NM_001407297.1, NM_001407298.1, NM_001407299.1 and 3 more transcripts); c.725C>A, p.Ser242Ter (NM_001407304.1, NM_001407305.1, NM_001407306.1 and 5 more transcripts); c.49-5661C>A (NM_001407314.1); c.-104-4467C>A (NM_001407313.1, NM_001407312.1); short protein forms S242*, S517*, S537*.
Identifiers: ClinVar variation 2674038 (VCV002674038.4), dbSNP rs142103232, ClinGen allele CA395130459.